The following is an entry in ClinVar:

ClinVar aggregate classification (germline): Uncertain significance (1 of 4 stars; one submission).

Conditions:
Alstrom syndrome (ALMS). Identifiers: Orphanet 64, MedGen C0268425, MONDO:0008763, OMIM 203800.

Allele frequency attached by ClinVar (database versions not stated): TOPMed below 0.00001; gnomAD 0.00001.
gnomAD v4.1: 2 of 1,613,548 alleles (0.00012%); highest among the groups gnomAD compares: Admixed American, 0.0017%; no homozygotes.

Submission:

Labcorp Genetics (formerly Invitae), Labcorp
Classification: Uncertain significance for Alstrom syndrome. Last evaluated: 2022-04-20. Review status: criteria provided, single submitter. Criteria: Invitae Variant Classification Sherloc (09022015). Collection method: clinical testing. Allele origin: germline.
Comment: This sequence change replaces aspartic acid, which is acidic and polar, with glutamic acid, which is acidic and polar, at codon 2065 of the ALMS1 protein (p.Asp2065Glu). This variant is not present in population databases (gnomAD no frequency). This variant has not been reported in the literature in individuals affected with ALMS1-related conditions. Experimental studies and prediction algorithms are not available or were not evaluated, and the functional significance of this variant is currently unknown. In summary, the available evidence is currently insufficient to determine the role of this variant in disease. Therefore, it has been classified as a Variant of Uncertain Significance.

NM_001378454.1(ALMS1):c.6192T>A (p.Asp2064Glu)

Gene: ALMS1 (ALMS1 centrosome and basal body associated protein; plus strand). Cytogenetic location: 2p13.1.
Variant type: single nucleotide variant.
Coding change: c.6192T>A on transcript NM_001378454.1 (MANE Select); coding-DNA position 6192, T replaced by A.
Protein change: p.Asp2064Glu; replaces aspartic acid 2064 with glutamic acid.
Molecular consequence: missense variant.
Genome position (GRCh38, 1-based): chr2:73,452,719, T>A. VCF-style: chr2-73452719-T-A. GRCh37 (hg19) VCF-style: chr2-73679846-T-A.
Other names: c.6195T>A, p.Asp2065Glu (NM_015120.4); short protein forms D2064E, D2065E.
Identifiers: ClinVar variation 2142181 (VCV002142181.1), dbSNP rs1357962379, ClinGen allele CA347285236.